The following is an entry in ClinVar:

ClinVar aggregate classification (germline): Benign/Likely benign. Review status: criteria provided, multiple submitters, no conflicts (2 of 4 stars). 2 submissions from 2 submitters: Benign (1); Likely benign (1). Last evaluated 2023-05-01.

Conditions:
Inborn genetic diseases. Identifiers: MedGen C0950123, MeSH D030342.

Submissions (2):

CeGaT Center for Human Genetics Tuebingen
Classification: Benign. Last evaluated: 2023-05-01. Review status: criteria provided, single submitter. Criteria: CeGaT Center For Human Genetics Tuebingen Variant Classification Criteria Version 2. Collection method: clinical testing. Allele origin: germline. Affected: yes. Observed: 1 variant allele.
Comment: CHD3: BS1, BS2

Ambry Genetics
Classification: Likely benign for Inborn genetic diseases. Last evaluated: 2021-06-14. Review status: criteria provided, single submitter. Criteria: Ambry Variant Classification Scheme 2023. Collection method: clinical testing. Allele origin: germline.

NM_001005271.3(CHD3):c.222GCC[6] (p.Pro82del)

Genes: CHD3 (chromodomain helicase DNA binding protein 3; plus strand), NAA38 (N-alpha-acetyltransferase 38, NatC auxiliary subunit; minus strand). Cytogenetic location: 17p13.1.
Variant type: Microsatellite.
Coding change: c.222GCC[6] on transcript NM_001005271.3; six copies in a row of the 3-base unit GCC starting at c.222; the reference has seven copies in a row; one copy, 3 bases deleted.
Protein change: p.Pro82del; deletes proline 82.
Molecular consequence: inframe deletion. On other transcripts: intron variant (1).
Genome position (GRCh38, 1-based): chr17:7,885,046-7,885,048, GCC deleted; deleting any 3 consecutive bases within chr17:7,885,026-7,885,048 gives the same sequence; the position shown is the placement nearest the transcript's 3' end. VCF-style (leftmost placement, unchanged base first): chr17-7885025-CCCG-C. GRCh37 (hg19) VCF-style: chr17-7788343-CCCG-C.
Other names: c.222GCC[6], p.Pro82del (NM_001437504.1, NM_001437507.1, NM_001437508.1 and 1 more transcripts); c.-167+119CGG[6] (NM_001330111.2); short protein forms P82del.
Identifiers: ClinVar variation 2343495 (VCV002343495.24), dbSNP rs759738955, ClinGen allele CA497950039.